The following is an entry in ClinVar:

ClinVar aggregate classification (germline): Likely pathogenic. Review status: reviewed by expert panel (3 of 4 stars). 3 submissions from 3 submitters: Likely pathogenic (1). 2 of the submissions do not count toward it. Last evaluated 2024-09-17.

Conditions:
Glycogen storage disease, type II (IOPD). Also called: Glycogen storage disease type 2; Acid maltase deficiency disease; Aglucosidase alfa; Deficiency of alpha-glucosidase; Deficiency of lysosomal alpha-glucosidase; Glucosidase acid-1,4-alpha deficiency. Identifiers: Orphanet 365, MedGen C0017921, MONDO:0009290, OMIM 232300.

Allele frequency attached by ClinVar (database versions not stated): gnomAD exomes below 0.00001.

Submissions (3):

ClinGen Lysosomal Storage Disorder Variant Curation Expert Panel
Classification: Likely pathogenic for Glycogen storage disease, type II. Last evaluated: 2024-09-17. Review status: reviewed by expert panel. Criteria: clingen_lsd_acmg_specifications_v2-1. Collection method: curation. Allele origin: germline. Inheritance: Autosomal recessive inheritance.
Comment: The NM_000152.5:c.2040G>A variant in GAA does not result in an amino acid substitution (p.Leu680=) but alters the last nucleotide of exon 14. Sequence analysis of cDNA from a patient who is compound heterozygous for the variant and a missense change in GAA revealed inclusion of intron 14, which is predicted to result in a frameshift and nonsense-mediated decay in some of the transcripts. Quantitative methods were not used in the amplification process, and therefore the proportion of transcripts containing intron 14 is unknown. Consistent with these findings, the in silico predictor, SpliceAI, gives a score of 0.86 for donor loss at the intron 14 donor splice site, suggesting that this variant affects splicing. Based on this data, specifically nonsense-mediated decay but without quantification of the proportion of transcripts in which this occurs, PVS1_Moderate was applied (PMID: 37352859). The variant has been reported in two probands. One proband who had symptoms consistent with infantile onset Pompe disease and undergoing enzyme replacement therapy, was compound heterozygous for the variant and another variant in GAA, phase unconfirmed, that has been classified as pathogenic by the ClinGen LD VCEP, c.1927G>A (p.Gly643Arg) (ClinVar Variation ID: 4023, SCV005089709.1) (PMID 17723315, 23430500) (PP4_Moderate, PM3_Supporting). In addition, two siblings with late onset Pompe disease and cardiomyopathy have been reported with the variant. However, the authors did not state the zygosity of the variant; therefore, this data will not be included (PMID: 37116048). The variant is absent in gnomAD v2.1.1 (PM2_Supporting). There is a ClinVar entry for this variant (Variation ID: 984800). In summary, this variant meets the criteria to be classified as likely pathogenic for Pompe disease. GAA-specific ACMG/AMP criteria applied, as specified by the ClinGen LD VCEP (Specifications version 2.0): PVS1_Moderate, PP4_Moderate, PM3_Supporting, PM2_Supporting. (Classification approved by the ClinGen Lysocomal Diseases Variant Curation Expert Panel on September 17, 2024)

Genomenon, Inc
Classification: Likely pathogenic for Glycogen storage disease, type II. Last evaluated: 2026-07-01. Review status: criteria provided, single submitter. Criteria: Genomenon Sequence Variant Interpretation Standards - Updated. Collection method: curation. Allele origin: germline. Affected: yes. Not counted in ClinVar's aggregate classification.
Comment: GAA c.2040G>A is a synonymous variant that retains Leucine at codon 680. This variant has been observed in at least one proband with a GAA-related disorder in the compound heterozygous and/or homozygous state (PMID:17723315;23430500). It is absent or not present at a significant frequency in gnomAD. In conclusion, we classify GAA c.2040G>A (p.Leu680=) as a likely pathogenic variant.

Revvity Omics, Revvity
Classification: Likely pathogenic. Last evaluated: 2024-11-25. Review status: criteria provided, single submitter. Criteria: ACMG Guidelines, 2015. Collection method: clinical testing. Allele origin: germline. Not counted in ClinVar's aggregate classification.

Literature cited by the submitters: PubMed 17723315 (cited by Genomenon, Inc); PubMed 23430500 (cited by Genomenon, Inc).

NM_000152.5(GAA):c.2040G>A (p.Leu680=)

Gene: GAA (alpha glucosidase; plus strand). Cytogenetic location: 17q25.3.
Variant type: single nucleotide variant.
Coding change: c.2040G>A on transcript NM_000152.5 (MANE Select); coding-DNA position 2040, G replaced by A.
Protein change: p.Leu680=; no amino-acid change (leucine 680 retained).
Molecular consequence: synonymous variant.
Genome position (GRCh38, 1-based): chr17:80,113,027, G>A. VCF-style: chr17-80113027-G-A. GRCh37 (hg19) VCF-style: chr17-78086826-G-A.
Other names: c.2040G>A, p.Leu680= (NM_001079803.3, NM_001079804.3).
Identifiers: ClinVar variation 984800 (VCV000984800.8), dbSNP rs2039280842, ClinGen allele CA502179100.